The following is an entry in ClinVar:

ClinVar aggregate classification (germline): Uncertain significance. Review status: criteria provided, multiple submitters, no conflicts (2 of 4 stars). 2 submissions from 2 submitters: Uncertain significance (2). Last evaluated 2025-08-28.

Conditions:
Autosomal recessive spastic paraplegia type 78. Identifiers: Orphanet 513436, MedGen C5567893, MONDO:0014975, OMIM 617225.
Kufor-Rakeb syndrome (KRS). Also called: PARKINSON DISEASE 9, AUTOSOMAL RECESSIVE, JUVENILE-ONSET. Identifiers: Orphanet 306674, Orphanet 314632, MedGen C1847640, MONDO:0011706, OMIM 606693.
Inborn genetic diseases. Identifiers: MedGen C0950123, MeSH D030342.

Allele frequency attached by ClinVar (database versions not stated): gnomAD 0.00001; TOPMed 0.00001; ExAC 0.00005.
gnomAD v4.1: 17 of 1,612,844 alleles (0.0011%); highest among the groups gnomAD compares: East Asian, 0.0022%; no homozygotes.

Submissions (2):

Ambry Genetics
Classification: Uncertain significance for Inborn genetic diseases. Last evaluated: 2025-08-28. Review status: criteria provided, single submitter. Criteria: Ambry Variant Classification Scheme 2023. Collection method: clinical testing. Allele origin: germline.

Labcorp Genetics (formerly Invitae), Labcorp
Classification: Uncertain significance for Kufor-Rakeb syndrome; Autosomal recessive spastic paraplegia type 78. Last evaluated: 2022-03-23. Review status: criteria provided, single submitter. Criteria: Invitae Variant Classification Sherloc (09022015). Collection method: clinical testing. Allele origin: germline.
Comment: In summary, the available evidence is currently insufficient to determine the role of this variant in disease. Therefore, it has been classified as a Variant of Uncertain Significance. Advanced modeling of protein sequence and biophysical properties (such as structural, functional, and spatial information, amino acid conservation, physicochemical variation, residue mobility, and thermodynamic stability) performed at Invitae indicates that this missense variant is not expected to disrupt ATP13A2 protein function. This variant has not been reported in the literature in individuals affected with ATP13A2-related conditions. This variant is present in population databases (rs776071534, gnomAD 0.005%). This sequence change replaces alanine, which is neutral and non-polar, with valine, which is neutral and non-polar, at codon 995 of the ATP13A2 protein (p.Ala995Val).

NM_022089.4(ATP13A2):c.2984C>T (p.Ala995Val)

Gene: ATP13A2 (ATPase cation transporting 13A2; minus strand). Cytogenetic location: 1p36.13.
Variant type: single nucleotide variant.
Coding change: c.2984C>T on transcript NM_022089.4 (MANE Select); coding-DNA position 2984, C replaced by T.
Protein change: p.Ala995Val; replaces alanine 995 with valine.
Molecular consequence: missense variant.
Genome position (GRCh38, 1-based): chr1:16,987,145, G>A on the plus strand (C>T on the coding strand, the complement: ATP13A2 is on the minus strand). VCF-style: chr1-16987145-G-A. GRCh37 (hg19) VCF-style: chr1-17313640-G-A.
Other names: c.2969C>T, p.Ala990Val (NM_001141973.3); c.2852C>T, p.Ala951Val (NM_001141974.3); c.2984C>T (NM_022089.2); short protein forms A951V, A990V, A995V.
Identifiers: ClinVar variation 2043059 (VCV002043059.3), dbSNP rs776071534, ClinGen allele CA636648.
Genomic context (GRCh38, chr1:16,987,145, plus strand): 5'-ACGCCGGTCACCAGGACCATCTGCAGCAGCAGGCTGCTGAGCACGGGCACGCTGAGCAGC[G>A]CCCCCGGTGGCCGCACCCGTCCCAGGACCAGCGCTGGCCCCGTGCGGCTCATGAGCACTG-3'
Protein context (NP_071372.1, residues 985-1005): LVLGRVRPPG[Ala995Val]LLSVPVLSSL